The following is an entry in ClinVar:

ClinVar aggregate classification (germline): Pathogenic (1 of 4 stars; one submission).

Conditions:
Familial adenomatous polyposis 1 (FAP1). Also called: FAMILIAL ADENOMATOUS POLYPOSIS 1, ATTENUATED; POLYPOSIS, ADENOMATOUS INTESTINAL. Identifiers: MedGen C2713442, MONDO:0021056, OMIM 175100. Disease mechanism: loss of function.

Submission:

Myriad Genetics, Inc.
Classification: Pathogenic for Familial adenomatous polyposis 1. Last evaluated: 2023-05-09. Review status: criteria provided, single submitter. Criteria: Myriad Autosomal Dominant, Autosomal Recessive and X-Linked Classification Criteria (2023). Collection method: clinical testing. Allele origin: unknown.
Comment: This variant is considered pathogenic. This variant creates a frameshift predicted to result in premature protein truncation.

NM_000038.6(APC):c.3563_3566del (p.Pro1188fs)

Gene: APC (APC regulator of Wnt signaling pathway; plus strand). Cytogenetic location: 5q22.2.
Variant type: Deletion.
Coding change: c.3563_3566del on transcript NM_000038.6 (MANE Select); coding-DNA positions 3563 to 3566, 4 bases deleted (CTTC; older notation c.3563_3566delCTTC).
Protein change: p.Pro1188fs; shifts the reading frame from proline 1188.
Molecular consequence: frameshift variant. On other transcripts: non-coding transcript variant (2).
Genome position (GRCh38, 1-based): chr5:112,839,157-112,839,160, CTTC deleted; deleting any 4 consecutive bases within chr5:112,839,154-112,839,160 gives the same sequence; the c. name uses the placement nearest the transcript's 3' end. VCF-style (leftmost placement, unchanged base first): chr5-112839153-ATTCC-A. GRCh37 (hg19) VCF-style: chr5-112174850-ATTCC-A.
Other names: c.3479_3482del, p.Pro1160fs (NM_001354899.2); c.3440_3443del, p.Pro1147fs (NM_001354900.2); c.3386_3389del, p.Pro1129fs (NM_001354901.2, NM_001407453.1); c.3290_3293del, p.Pro1097fs (NM_001354902.2); c.3260_3263del, p.Pro1087fs (NM_001354903.2, NM_001407458.1, NM_001407459.1 and 1 more transcripts); c.3185_3188del, p.Pro1062fs (NM_001354904.2); c.3083_3086del, p.Pro1028fs (NM_001354905.2); c.2714_2717del, p.Pro905fs (NM_001354906.2, NM_001407470.1); and 11 more; short protein forms P1028fs, P1059fs, P1062fs, P1087fs, P1097fs, P1105fs, P1129fs, P1147fs.
Identifiers: ClinVar variation 2583925 (VCV002583925.1), dbSNP rs2533507830, ClinGen allele CA658760942.
Genomic context (GRCh38, chr5:112,839,153, plus strand): 5'-AATGAAGAGAAACGTCATGTGGATCAGCCTATTGATTATAGTTTAAAATATGCCACAGAT[ATTCC>A]TTCATCACAGAAACAGTCATTTTCATTCTCAAAGAGTTCATCTGGACAAAGCAGTAAAAC-3'